The following is an entry in ClinVar:

ClinVar aggregate classification (germline): Conflicting classifications of pathogenicity. Review status: criteria provided, conflicting classifications (1 of 4 stars). 3 submissions from 3 submitters: Uncertain significance (2); Likely benign (1). Last evaluated 2024-08-21.

Conditions:
Hereditary cancer-predisposing syndrome. Also called: Tumor predisposition; Hereditary Cancer Syndrome; Hereditary neoplastic syndrome; Neoplastic Syndromes, Hereditary. Identifiers: Orphanet 140162, MedGen C0027672, MeSH D009386, MONDO:0015356.
Hereditary breast ovarian cancer syndrome. Also called: BRCA1- and BRCA2-Associated Hereditary Breast and Ovarian Cancer; Hereditary breast and ovarian cancer; Hereditary breast and ovarian cancer syndrome; Hereditary breast and ovarian cancer syndrome (HBOC); Breast and ovarian cancer; Hereditary breast and/or ovarian cancer syndrome. Identifiers: Orphanet 145, MedGen C0677776, MeSH D061325, MONDO:0003582. Disease mechanism: loss of function.

Submissions (3):

Ambry Genetics
Classification: Uncertain significance for Hereditary cancer-predisposing syndrome. Last evaluated: 2024-08-21. Review status: criteria provided, single submitter. Criteria: Ambry Variant Classification Scheme 2023. Collection method: clinical testing. Allele origin: germline.
Comment: The p.T617I variant (also known as c.1850C>T), located in coding exon 9 of the BRCA1 gene, results from a C to T substitution at nucleotide position 1850. The threonine at codon 617 is replaced by isoleucine, an amino acid with similar properties. This amino acid position is not well conserved in available vertebrate species. In addition, the in silico prediction for this alteration is inconclusive. Based on the available evidence, the clinical significance of this variant remains unclear.

University of Washington Department of Laboratory Medicine, University of Washington
Classification: Likely benign for Hereditary cancer-predisposing syndrome. Last evaluated: 2023-03-23. Review status: criteria provided, single submitter. Criteria: Dines et al. (Genet Med. 2020). Collection method: curation. Allele origin: germline.
Comment: Missense variant in a coldspot region where missense variants are very unlikely to be pathogenic (PMID:31911673).

BRCA1 coldspot (exon 11 using historical exon numbering). Reclassification based on statistical prior probability

Labcorp Genetics (formerly Invitae), Labcorp
Classification: Uncertain significance for Hereditary breast ovarian cancer syndrome. Last evaluated: 2022-02-09. Review status: criteria provided, single submitter. Criteria: Invitae Variant Classification Sherloc (09022015). Collection method: clinical testing. Allele origin: germline.
Comment: This sequence change replaces threonine, which is neutral and polar, with isoleucine, which is neutral and non-polar, at codon 617 of the BRCA1 protein (p.Thr617Ile). In summary, the available evidence is currently insufficient to determine the role of this variant in disease. Therefore, it has been classified as a Variant of Uncertain Significance. Advanced modeling of protein sequence and biophysical properties (such as structural, functional, and spatial information, amino acid conservation, physicochemical variation, residue mobility, and thermodynamic stability) performed at Invitae indicates that this missense variant is not expected to disrupt BRCA1 protein function. This variant has not been reported in the literature in individuals affected with BRCA1-related conditions. This variant is not present in population databases (gnomAD no frequency).

NM_007294.4(BRCA1):c.1850C>T (p.Thr617Ile)

Gene: BRCA1 (BRCA1 DNA repair associated; minus strand). Cytogenetic location: 17q21.31.
Variant type: single nucleotide variant.
Coding change: c.1850C>T on transcript NM_007294.4 (MANE Select); coding-DNA position 1850, C replaced by T.
Protein change: p.Thr617Ile; replaces threonine 617 with isoleucine.
Molecular consequence: missense variant. On other transcripts: intron variant (137).
Genome position (GRCh38, 1-based): chr17:43,093,681, G>A on the plus strand (C>T on the coding strand, the complement: BRCA1 is on the minus strand). VCF-style: chr17-43093681-G-A. GRCh37 (hg19) VCF-style: chr17-41245698-G-A.
Other names: c.1637C>T, p.Thr546Ile (NM_001407571.1, NM_001407853.1, NM_001407894.1 and 9 more transcripts); c.1850C>T, p.Thr617Ile (NM_001407581.1, NM_001407582.1, NM_001407583.1 and 30 more transcripts); c.1847C>T, p.Thr616Ile (NM_001407587.1, NM_001407590.1, NM_001407591.1 and 22 more transcripts); c.1841C>T, p.Thr614Ile (NM_001407646.1, NM_001407647.1); c.1727C>T, p.Thr576Ile (NM_001407648.1, NM_001407664.1, NM_001407665.1 and 19 more transcripts); c.1724C>T, p.Thr575Ile (NM_001407649.1, NM_001407670.1, NM_001407671.1 and 11 more transcripts); c.1772C>T, p.Thr591Ile (NM_001407653.1, NM_001407654.1, NM_001407655.1 and 4 more transcripts); c.1769C>T, p.Thr590Ile (NM_001407659.1, NM_001407660.1, NM_001407661.1 and 1 more transcripts); and 40 more; short protein forms T570I, T617I, T321I, T490I, T506I, T528I, T549I, T590I.
Identifiers: ClinVar variation 1466448 (VCV001466448.12), dbSNP rs2154417111, ClinGen allele CA10598318.